The following is an entry in ClinVar:

ClinVar aggregate classification (germline): Pathogenic (1 of 4 stars; one submission).

Conditions:
Salla disease (SD). Also called: Sialuria, Finnish type; N-acetylneuraminic acid (NANA) storage disease (NSD); Infantile sialic acid storage disorder (ISSD); Less Severe FSASD (Salla Disease). Identifiers: Orphanet 309334, Orphanet 834, MedGen C1096903, MONDO:0011449, OMIM 604369.

Submission:

Labcorp Genetics (formerly Invitae), Labcorp
Classification: Pathogenic for Salla disease. Last evaluated: 2024-01-11. Review status: criteria provided, single submitter. Criteria: Invitae Variant Classification Sherloc (09022015). Collection method: clinical testing. Allele origin: germline.
Comment: This sequence change creates a premature translational stop signal (p.Ile90*) in the SLC17A5 gene. It is expected to result in an absent or disrupted protein product. Loss-of-function variants in SLC17A5 are known to be pathogenic (PMID: 10581036, 10947946, 15172001). This variant is not present in population databases (gnomAD no frequency). This variant has not been reported in the literature in individuals affected with SLC17A5-related conditions. For these reasons, this variant has been classified as Pathogenic.

Literature cited by the submitters: PubMed 10581036; PubMed 10947946; PubMed 15172001.

NM_012434.5(SLC17A5):c.267del (p.Pro89_Ile90insTer)

Gene: SLC17A5 (solute carrier family 17 member 5; minus strand). Cytogenetic location: 6q13.
Variant type: Deletion.
Coding change: c.267del on transcript NM_012434.5 (MANE Select); coding-DNA position 267, one base deleted (C; older notation c.267delC).
Protein change: p.Pro89_Ile90insTer.
Molecular consequence: frameshift variant. On other transcripts: intron variant (2).
Genome position (GRCh38, 1-based): chr6:73,644,431, G deleted on the plus strand (C on the coding strand, the reverse complement: SLC17A5 is on the minus strand); the first of 3 consecutive G bases (chr6:73,644,431-73,644,433); deleting any one gives the same sequence. VCF-style (leftmost placement, unchanged base first): chr6-73644430-TG-T. GRCh37 (hg19) VCF-style: chr6-74354153-TG-T.
Other names: c.267del, p.Pro89_Ile90insTer (NM_001382630.1, NM_001382632.1, NM_001382633.1 and 2 more transcripts); c.288del, p.Pro96_Ile97insTer (NM_001382631.1); c.61-2507del (NM_001382636.1, NM_001382629.1).
Identifiers: ClinVar variation 2708289 (VCV002708289.3), dbSNP rs2533519945, ClinGen allele CA2697553550.